The following is an entry in ClinVar:

ClinVar aggregate classification (germline): Uncertain significance (1 of 4 stars; one submission).

Conditions:
EGFR-related lung cancer (EGFR). Identifiers: MedGen CN130014.

Submission:

Labcorp Genetics (formerly Invitae), Labcorp
Classification: Uncertain significance for EGFR-related lung cancer. Last evaluated: 2024-04-30. Review status: criteria provided, single submitter. Criteria: Invitae Variant Classification Sherloc (09022015). Collection method: clinical testing. Allele origin: germline.
Comment: This sequence change replaces aspartic acid, which is acidic and polar, with alanine, which is neutral and non-polar, at codon 994 of the EGFR protein (p.Asp994Ala). This variant is not present in population databases (gnomAD no frequency). This variant has not been reported in the literature in individuals affected with EGFR-related conditions. Advanced modeling of protein sequence and biophysical properties (such as structural, functional, and spatial information, amino acid conservation, physicochemical variation, residue mobility, and thermodynamic stability) performed at Invitae indicates that this missense variant is not expected to disrupt EGFR protein function with a negative predictive value of 80%. In summary, the available evidence is currently insufficient to determine the role of this variant in disease. Therefore, it has been classified as a Variant of Uncertain Significance.

NM_005228.5(EGFR):c.2981A>C (p.Asp994Ala)

Gene: EGFR (epidermal growth factor receptor; plus strand). Cytogenetic location: 7p11.2.
Variant type: single nucleotide variant.
Coding change: c.2981A>C on transcript NM_005228.5 (MANE Select); coding-DNA position 2981, A replaced by C.
Protein change: p.Asp994Ala; replaces aspartic acid 994 with alanine.
Molecular consequence: missense variant.
Genome position (GRCh38, 1-based): chr7:55,201,222, A>C. VCF-style: chr7-55201222-A-C. GRCh37 (hg19) VCF-style: chr7-55268915-A-C.
Other names: c.2846A>C, p.Asp949Ala (NM_001346897.2, NM_001346899.2); c.2981A>C, p.Asp994Ala (NM_001346898.2); c.2822A>C, p.Asp941Ala (NM_001346900.2); c.2180A>C, p.Asp727Ala (NM_001346941.2); short protein forms D727A, D949A, D994A, D941A.
Identifiers: ClinVar variation 2772864 (VCV002772864.3), dbSNP rs2128971535, ClinGen allele CA367582406.